The following is an entry in ClinVar:

NM_001012339.3(DNAJC21):c.434A>G (p.Asp145Gly)

Gene: DNAJC21 (DnaJ heat shock protein family (Hsp40) member C21; plus strand). Cytogenetic location: 5p13.2.
Variant type: single nucleotide variant.
Coding change: c.434A>G on transcript NM_001012339.3 (MANE Select); coding-DNA position 434, A replaced by G.
Protein change: p.Asp145Gly; replaces aspartic acid 145 with glycine.
Molecular consequence: missense variant.
Genome position (GRCh38, 1-based): chr5:34,936,262, A>G. VCF-style: chr5-34936262-A-G. GRCh37 (hg19) VCF-style: chr5-34936367-A-G.
Other names: p.Asp145Gly; NM_001012339.3(DNAJC21):c.434A>G; c.434A>G, p.Asp145Gly (NM_001348420.2, NM_194283.4); short protein forms D145G.
Identifiers: ClinVar variation 2635017 (VCV002635017.3), dbSNP rs758909394, ClinGen allele CA3228443.
Genomic context (GRCh38, chr5:34,936,262, plus strand): 5'-CTGTGTTAGAGGAAGAGGTTGATGATTTCCCAACTTTTGGAGACTCCCAGAGTGACTATG[A>G]TACGGTAAAATAAAAATGCATTGTTCTATAATTAGTATTTATCACTGTGTCATTTTTAAA-3'
Protein context (NP_001012339.2, residues 135-155): PTFGDSQSDY[Asp145Gly]TVVHPFYAYW

ClinVar aggregate classification (germline): Conflicting classifications of pathogenicity. Review status: criteria provided, conflicting classifications (1 of 4 stars). 3 submissions from 3 submitters: Likely pathogenic (1); Uncertain significance (2). Last evaluated 2025-06-27.

Conditions:
Bone marrow failure syndrome 3 (BMFS3). Identifiers: MedGen C4310744, MONDO:0014887, OMIM 617052.
DNAJC21-related disorder. Also called: DNAJC21-related condition.

Allele frequency attached by ClinVar (database versions not stated): TOPMed 0.00001; ExAC 0.00002; gnomAD 0.00003.
gnomAD v4.1: 35 of 1,606,170 alleles (0.0022%); highest among the groups gnomAD compares: Admixed American, 0.01%; no homozygotes.

Submissions (3):

Broad Center for Mendelian Genomics, Broad Institute of MIT and Harvard
Classification: Uncertain significance for Bone marrow failure syndrome 3. Last evaluated: 2025-06-27. Review status: criteria provided, single submitter. Criteria: ACMG Guidelines, 2015. Collection method: curation. Allele origin: germline. Inheritance: Autosomal recessive inheritance. Study: GREGoR Consortium.
Comment: The phase of these variants are unknown at this time. The p.Asp145Gly variant in DNAJC21 has not been previously reported in the literature in individuals with bone marrow failure syndrome, and was identified in 0.01% (6/57470) of Admixed American chromosomes by the Genome Aggregation Database (gnomAD; dbSNP rs758909394). Although this variant has been seen in the general population in a heterozygous state, its frequency is low enough to be consistent with a recessive carrier frequency. This variant has also been reported in ClinVar (VCV002635017.2) and has been interpreted as likely pathogenic by PreventionGenetics and a variant of uncertain significance by Mayo Clinic Laboratories. Computational prediction tools and conservation analyses suggest that this variant may impact the protein, though this information is not predictive enough to determine pathogenicity. In summary, the clinical significance of the p.Asp145Gly variant is uncertain. ACMG/AMP Criteria applied: PM2_supporting, PP3 (Richards 2015).

Mayo Clinic Laboratories, Mayo Clinic
Classification: Uncertain significance. Last evaluated: 2023-06-01. Review status: criteria provided, single submitter. Criteria: ACMG Guidelines, 2015. Collection method: clinical testing. Allele origin: germline. Observed: 1 variant allele.
Comment: PP3

PreventionGenetics, part of Exact Sciences
Classification: Likely pathogenic for DNAJC21-related condition. Last evaluated: 2023-03-30. Review status: criteria provided, single submitter. Criteria: ACMG Guidelines, 2015. Collection method: clinical testing. Allele origin: germline.
Comment: The DNAJC21 c.434A>G variant is predicted to result in the amino acid substitution p.Asp145Gly. To our knowledge, this variant has not been reported in the literature. This variant is reported in 0.022% of alleles in individuals of Latino descent in gnomAD. This variant is interpreted as likely pathogenic.